The following is an entry in ClinVar:

ClinVar aggregate classification (germline): Pathogenic. Review status: no assertion criteria provided (0 of 4 stars). 2 submissions from 2 submitters: Pathogenic (2). Last evaluated 2021-04-06.

Conditions:
Vitelliform macular dystrophy 3 (VMD3). Also called: PRPH2 vitelliform macular dystrophy; vitelliform macular dystrophy caused by mutation in PRPH2. Identifiers: MedGen CN295869, MONDO:0024561, OMIM 608161.

Submissions (2):

Leiden Open Variation Database
Classification: Pathogenic. Last evaluated: 2021-04-06. Review status: no assertion criteria provided. Collection method: curation. Allele origin: germline. Affected: yes.
Comment: Curator: Global Variome, with Curator vacancy. Submitter to LOVD: Manon Peeters.

OMIM
Classification: Pathogenic for MACULAR DYSTROPHY, VITELLIFORM, 3. Last evaluated: 1993-03-01. Review status: no assertion criteria provided. Collection method: literature only. Allele origin: germline.

Literature cited by the submitters: PubMed 8485576 (cited by Leiden Open Variation Database and OMIM).

NM_000322.5(PRPH2):c.774C>A (p.Tyr258Ter)

Gene: PRPH2 (peripherin 2; minus strand). Cytogenetic location: 6p21.1.
Variant type: single nucleotide variant.
Coding change: c.774C>A on transcript NM_000322.5 (MANE Select); coding-DNA position 774, C replaced by A.
Protein change: p.Tyr258Ter; replaces tyrosine 258 with a stop codon.
Molecular consequence: nonsense.
Genome position (GRCh38, 1-based): chr6:42,704,419, G>T on the plus strand (C>A on the coding strand, the complement: PRPH2 is on the minus strand). VCF-style: chr6-42704419-G-T. GRCh37 (hg19) VCF-style: chr6-42672157-G-T.
Other names: short protein forms Y258*.
Identifiers: ClinVar variation 13168 (VCV000013168.3), dbSNP rs121918564, ClinGen allele CA122932.